The following is an entry in ClinVar:

NM_003467.3(CXCR4):c.563G>A (p.Arg188His)

Gene: CXCR4 (C-X-C motif chemokine receptor 4; minus strand). Cytogenetic location: 2q22.1.
Variant type: single nucleotide variant.
Coding change: c.563G>A on transcript NM_003467.3 (MANE Select); coding-DNA position 563, G replaced by A.
Protein change: p.Arg188His; replaces arginine 188 with histidine.
Molecular consequence: missense variant.
Genome position (GRCh38, 1-based): chr2:136,115,365, C>T on the plus strand (G>A on the coding strand, the complement: CXCR4 is on the minus strand). VCF-style: chr2-136115365-C-T. GRCh37 (hg19) VCF-style: chr2-136872935-C-T.
Other names: c.575G>A, p.Arg192His (NM_001008540.2); c.776G>A, p.Arg259His (NM_001348056.2); c.662G>A, p.Arg221His (NM_001348059.2); c.518G>A, p.Arg173His (NM_001348060.2); short protein forms R259H, R173H, R192H, R188H, R221H.
Identifiers: ClinVar variation 4761234 (VCV004761234.1).

ClinVar aggregate classification (germline): Uncertain significance (1 of 4 stars; one submission).

Conditions:
Warts, hypogammaglobulinemia, infections, and myelokathexis. Also called: WHIM syndrome. Identifiers: MedGen C0472817, MONDO:0023880.

Submission:

Labcorp Genetics (formerly Invitae), Labcorp
Classification: Uncertain significance for Warts, hypogammaglobulinemia, infections, and myelokathexis. Last evaluated: 2025-11-16. Review status: criteria provided, single submitter. Criteria: Invitae Variant Classification Sherloc (09022015). Collection method: clinical testing. Allele origin: germline.
Comment: This sequence change replaces arginine, which is basic and polar, with histidine, which is basic and polar, at codon 188 of the CXCR4 protein (p.Arg188His). This variant is present in population databases (no rsID available, gnomAD 0.007%). This variant has not been reported in the literature in individuals affected with CXCR4-related conditions. An algorithm developed to predict the effect of missense changes on protein structure and function (PolyPhen-2) suggests that this variant is likely to be disruptive. In summary, the available evidence is currently insufficient to determine the role of this variant in disease. Therefore, it has been classified as a Variant of Uncertain Significance.